The following is an entry in ClinVar:

NM_016151.4(TAOK2):c.1381C>T (p.Arg461Cys)

Gene: TAOK2 (TAO kinase 2; plus strand). Cytogenetic location: 16p11.2.
Variant type: single nucleotide variant.
Coding change: c.1381C>T on transcript NM_016151.4 (MANE Select); coding-DNA position 1381, C replaced by T.
Protein change: p.Arg461Cys; replaces arginine 461 with cysteine.
Molecular consequence: missense variant.
Genome position (GRCh38, 1-based): chr16:29,983,623, C>T. VCF-style: chr16-29983623-C-T. GRCh37 (hg19) VCF-style: chr16-29994944-C-T.
Other names: c.1381C>T, p.Arg461Cys (NM_001252043.2, NM_004783.4); short protein forms R461C.
Identifiers: ClinVar variation 2188084 (VCV002188084.4), dbSNP rs1025967617, ClinGen allele CA280395416.

ClinVar aggregate classification (germline): Uncertain significance (1 of 4 stars; one submission).

Allele frequency attached by ClinVar (database versions not stated): gnomAD 0.00001; gnomAD exomes 0.00001; TOPMed 0.00002.
gnomAD v4.1: 20 of 1,613,432 alleles (0.0012%); highest among the groups gnomAD compares: African/African-American, 0.004%; no homozygotes.

Submission:

Labcorp Genetics (formerly Invitae), Labcorp
Classification: Uncertain significance. Last evaluated: 2023-10-24. Review status: criteria provided, single submitter. Criteria: Invitae Variant Classification Sherloc (09022015). Collection method: clinical testing. Allele origin: germline.
Comment: This sequence change replaces arginine, which is basic and polar, with cysteine, which is neutral and slightly polar, at codon 461 of the TAOK2 protein (p.Arg461Cys). This variant is not present in population databases (gnomAD no frequency). This variant has not been reported in the literature in individuals affected with TAOK2-related conditions. ClinVar contains an entry for this variant (Variation ID: 2188084). An algorithm developed to predict the effect of missense changes on protein structure and function (PolyPhen-2) suggests that this variant is likely to be disruptive. In summary, the available evidence is currently insufficient to determine the role of this variant in disease. Therefore, it has been classified as a Variant of Uncertain Significance.